The following is an entry in ClinVar:

NM_000202.8(IDS):c.1077del (p.Ile360fs)

Genes: IDS (iduronate 2-sulfatase; minus strand), LOC106050102 (IDS recombination region; plus strand). Cytogenetic location: Xq28.
Variant type: Deletion.
Coding change: c.1077del on transcript NM_000202.8 (MANE Select); coding-DNA position 1077, one base deleted (G; older notation c.1077delG).
Protein change: p.Ile360fs; shifts the reading frame from isoleucine 360.
Molecular consequence: frameshift variant.
Genome position (GRCh38, 1-based): chrX:149,487,028, C deleted on the plus strand (G on the coding strand, the reverse complement: IDS is on the minus strand). VCF-style (leftmost placement, unchanged base first): chrX-149487027-TC-T. GRCh37 (hg19) VCF-style: chrX-148568558-TC-T.
Other names: c.807del, p.Ile270fs (NM_001166550.4); short protein forms I270fs, I360fs.
Identifiers: ClinVar variation 3255960 (VCV003255960.2).
Genomic context (GRCh38, chrX:149,487,027, plus strand): 5'-AAGGGAAAAGCTTCTCGCCTGCCTCCGGAAGTGAAGCCGTCCTTCCAGGAACATAGAATA[TC>T]AGGGGAACATGGGTAGCAACATCAAAATTGCTGTATTTGGCCCATTCTCCATGTTCACCT-3'

ClinVar aggregate classification (germline): Likely pathogenic (1 of 4 stars; one submission).

Conditions:
Mucopolysaccharidosis, MPS-II (MPS2). Also called: Hunter Syndrome; IDURONATE 2-SULFATASE DEFICIENCY; Mucopolysaccharidosis Type II; Mucopolysaccharidosis type 2; Attenuated MPS (subtype; formerly known as mild MPS II); Severe MPS II. Identifiers: Orphanet 580, Orphanet 79388, MedGen C0026705, MONDO:0010674, OMIM 309900.

Submission:

Laboratory of Diagnosis and Therapy of Lysosomal Disorders, University of Padova
Classification: Likely pathogenic for Mucopolysaccharidosis, MPS-II. Last evaluated: 2024-06-07. Review status: criteria provided, single submitter. Criteria: ACMG Guidelines, 2015. Collection method: literature only. Allele origin: germline. Affected: yes. Observed: 2 variant alleles.
Comment: Null variant (PVS1_Strong), Absent from controls (or at low frequency) in gnomAD database (PM2_Moderate), Patient’s phenotype or family history highly specific for the disease (PP4_Moderate)

Classification method: ACMG Guidelines [PMID:25741868] with modifications

Literature cited by the submitters: PubMed 24780617; PubMed 33676511.